The following is an entry in ClinVar:

ClinVar aggregate classification (germline): Likely pathogenic (1 of 4 stars; one submission).

Conditions:
TH-deficient dopa-responsive dystonia. Also called: Tyrosine Hydroxylase-Deficient Dopa-Responsive Dystonia; Segawa syndrome, autosomal recessive; DYT-TH. Identifiers: Orphanet 101150, MedGen C2673535, MONDO:0011551, OMIM 605407.

Submission:

Labcorp Genetics (formerly Invitae), Labcorp
Classification: Likely pathogenic for TH-deficient dopa-responsive dystonia. Last evaluated: 2022-08-16. Review status: criteria provided, single submitter. Criteria: Invitae Variant Classification Sherloc (09022015). Collection method: clinical testing. Allele origin: germline.
Comment: In summary, the currently available evidence indicates that the variant is pathogenic, but additional data are needed to prove that conclusively. Therefore, this variant has been classified as Likely Pathogenic. Algorithms developed to predict the effect of sequence changes on RNA splicing suggest that this variant may disrupt the consensus splice site. ClinVar contains an entry for this variant (Variation ID: 1466531). This variant has not been reported in the literature in individuals affected with TH-related conditions. This variant is not present in population databases (gnomAD no frequency). This sequence change affects an acceptor splice site in intron 12 of the TH gene. It is expected to disrupt RNA splicing. Variants that disrupt the donor or acceptor splice site typically lead to a loss of protein function (PMID: 16199547), and loss-of-function variants in TH are known to be pathogenic (PMID: 22264700, 24753243).

Literature cited by the submitters: PubMed 16199547; PubMed 22264700; PubMed 24753243.

NM_000360.4(TH):c.1201-1G>A

Gene: TH (tyrosine hydroxylase; minus strand). Cytogenetic location: 11p15.5.
Variant type: single nucleotide variant.
Coding change: c.1201-1G>A on transcript NM_000360.4 (MANE Select); the canonical splice acceptor site of the intron before coding-DNA position 1201, G replaced by A.
Molecular consequence: splice acceptor variant.
Genome position (GRCh38, 1-based): chr11:2,165,366, C>T on the plus strand (G>A on the coding strand, the complement: TH is on the minus strand). VCF-style: chr11-2165366-C-T. GRCh37 (hg19) VCF-style: chr11-2186596-C-T.
Other names: c.1282-1G>A (NM_199293.3); c.1294-1G>A (NM_199292.3).
Identifiers: ClinVar variation 1466531 (VCV001466531.8), dbSNP rs2133689319, ClinGen allele CA379125409.